The following is an entry in ClinVar:

ClinVar aggregate classification (germline): Uncertain significance (1 of 4 stars; one submission).

Submission:

GeneDx
Classification: Uncertain significance. Last evaluated: 2024-12-02. Review status: criteria provided, single submitter. Criteria: GeneDx Variant Classification Process June 2021. Collection method: clinical testing. Allele origin: germline. Affected: yes.
Comment: Not observed at significant frequency in large population cohorts (gnomAD); Has not been previously published as pathogenic or benign to our knowledge; In silico analysis is inconclusive as to whether the variant alters gene splicing. In the absence of RNA/functional studies, the actual effect of this sequence change is unknown.

NM_001267550.2(TTN):c.40142-5del

Gene: TTN (titin; minus strand). Cytogenetic location: 2q31.2.
Variant type: Deletion.
Coding change: c.40142-5del on transcript NM_001267550.2 (MANE Select); 5 bases into the intron before coding-DNA position 40142, one base deleted (T; older notation c.40142-5delT).
Molecular consequence: intron variant.
Genome position (GRCh38, 1-based): chr2:178,647,149, A deleted on the plus strand (T on the coding strand, the reverse complement: TTN is on the minus strand); the first of 6 consecutive A bases (chr2:178,647,149-178,647,154); deleting any one gives the same sequence. VCF-style (leftmost placement, unchanged base first): chr2-178647148-TA-T. GRCh37 (hg19) VCF-style: chr2-179511875-TA-T.
Other names: c.13283-4832del (NM_003319.4); c.13859-4832del (NM_133437.4); c.13658-4832del (NM_133432.3); c.32594-1119del (NM_133378.4); c.35375-1119del (NM_001256850.1).
Identifiers: ClinVar variation 3900776 (VCV003900776.1).